The following is an entry in ClinVar:

NM_006231.4(POLE):c.2048A>C (p.Tyr683Ser)

Gene: POLE (DNA polymerase epsilon, catalytic subunit; minus strand). Cytogenetic location: 12q24.33.
Variant type: single nucleotide variant.
Coding change: c.2048A>C on transcript NM_006231.4 (MANE Select); coding-DNA position 2048, A replaced by C.
Protein change: p.Tyr683Ser; replaces tyrosine 683 with serine.
Molecular consequence: missense variant.
Genome position (GRCh38, 1-based): chr12:132,668,481, T>G on the plus strand (A>C on the coding strand, the complement: POLE is on the minus strand). VCF-style: chr12-132668481-T-G. GRCh37 (hg19) VCF-style: chr12-133245067-T-G.
Other names: c.2048A>C (NM_006231.2); short protein forms Y683S.
Identifiers: ClinVar variation 1015450 (VCV001015450.10), dbSNP rs1593792114, ClinGen allele CA387354367.

ClinVar aggregate classification (germline): Uncertain significance. Review status: criteria provided, multiple submitters, no conflicts (2 of 4 stars). 2 submissions from 2 submitters: Uncertain significance (2). Last evaluated 2025-12-03.

Conditions:
Hereditary cancer-predisposing syndrome. Also called: Hereditary Cancer Syndrome; Tumor predisposition; Neoplastic Syndromes, Hereditary; Hereditary neoplastic syndrome. Identifiers: Orphanet 140162, MedGen C0027672, MeSH D009386, MONDO:0015356.

Submissions (2):

Ambry Genetics
Classification: Uncertain significance for Hereditary cancer-predisposing syndrome. Last evaluated: 2025-12-03. Review status: criteria provided, single submitter. Criteria: Ambry Variant Classification Scheme 2023. Collection method: clinical testing. Allele origin: germline.
Comment: The p.Y683S variant (also known as c.2048A>C), located in coding exon 19 of the POLE gene, results from an A to C substitution at nucleotide position 2048. The tyrosine at codon 683 is replaced by serine, an amino acid with dissimilar properties. This amino acid position is not well conserved in available vertebrate species. In addition, this alteration is predicted to be tolerated by in silico analysis. Based on the available evidence, the clinical significance of this variant remains unclear.

Labcorp Genetics (formerly Invitae), Labcorp
Classification: Uncertain significance. Last evaluated: 2020-01-23. Review status: criteria provided, single submitter. Criteria: Invitae Variant Classification Sherloc (09022015). Collection method: clinical testing. Allele origin: germline.
Comment: In summary, the available evidence is currently insufficient to determine the role of this variant in disease. Therefore, it has been classified as a Variant of Uncertain Significance. Algorithms developed to predict the effect of missense changes on protein structure and function (SIFT, PolyPhen-2, Align-GVGD) all suggest that this variant is likely to be disruptive, but these predictions have not been confirmed by published functional studies and their clinical significance is uncertain. This variant has not been reported in the literature in individuals with POLE-related conditions. This variant is not present in population databases (ExAC no frequency). This sequence change replaces tyrosine with serine at codon 683 of the POLE protein (p.Tyr683Ser). The tyrosine residue is moderately conserved and there is a large physicochemical difference between tyrosine and serine.